The following is an entry in ClinVar:

NM_080680.3(COL11A2):c.2700T>G (p.Asp900Glu)

Gene: COL11A2 (collagen type XI alpha 2 chain; minus strand). Cytogenetic location: 6p21.32.
Variant type: single nucleotide variant.
Coding change: c.2700T>G on transcript NM_080680.3 (MANE Select); coding-DNA position 2700, T replaced by G.
Protein change: p.Asp900Glu; replaces aspartic acid 900 with glutamic acid.
Molecular consequence: missense variant.
Genome position (GRCh38, 1-based): chr6:33,173,384, A>C on the plus strand (T>G on the coding strand, the complement: COL11A2 is on the minus strand). VCF-style: chr6-33173384-A-C. GRCh37 (hg19) VCF-style: chr6-33141161-A-C.
Other names: c.1674T>G, p.Asp558Glu (NM_001424110.1, NM_001424111.1); c.654T>G, p.Asp218Glu (NM_001424112.1); c.2379T>G, p.Asp793Glu (NM_080679.3); c.2442T>G, p.Asp814Glu (NM_080681.3); c.2520T>G, p.Asp840Glu (NM_001424108.1); c.1854T>G, p.Asp618Glu (NM_001424109.1); short protein forms D218E, D793E, D900E, D618E, D558E, D814E, D840E.
Identifiers: ClinVar variation 2900339 (VCV002900339.3), dbSNP rs2229785, ClinGen allele CA363641026.

ClinVar aggregate classification (germline): Uncertain significance (1 of 4 stars; one submission).

Submission:

Labcorp Genetics (formerly Invitae), Labcorp
Classification: Uncertain significance. Last evaluated: 2022-11-07. Review status: criteria provided, single submitter. Criteria: Invitae Variant Classification Sherloc (09022015). Collection method: clinical testing. Allele origin: germline.
Comment: In summary, the available evidence is currently insufficient to determine the role of this variant in disease. Therefore, it has been classified as a Variant of Uncertain Significance. Advanced modeling of protein sequence and biophysical properties (such as structural, functional, and spatial information, amino acid conservation, physicochemical variation, residue mobility, and thermodynamic stability) performed at Invitae indicates that this missense variant is not expected to disrupt COL11A2 protein function. This variant has not been reported in the literature in individuals affected with COL11A2-related conditions. This variant is not present in population databases (gnomAD no frequency). This sequence change replaces aspartic acid, which is acidic and polar, with glutamic acid, which is acidic and polar, at codon 900 of the COL11A2 protein (p.Asp900Glu).